The following is an entry in ClinVar:

NM_001991.5(EZH1):c.758T>C (p.Met253Thr)

Gene: EZH1 (enhancer of zeste 1 polycomb repressive complex 2 subunit; minus strand). Cytogenetic location: 17q21.2.
Variant type: single nucleotide variant.
Coding change: c.758T>C on transcript NM_001991.5 (MANE Select); coding-DNA position 758, T replaced by C.
Protein change: p.Met253Thr; replaces methionine 253 with threonine.
Molecular consequence: missense variant.
Genome position (GRCh38, 1-based): chr17:42,719,114, A>G on the plus strand (T>C on the coding strand, the complement: EZH1 is on the minus strand). VCF-style: chr17-42719114-A-G. GRCh37 (hg19) VCF-style: chr17-40871132-A-G.
Other names: c.776T>C, p.Met259Thr (NM_001321079.2); c.731T>C, p.Met244Thr (NM_001321081.2); c.638T>C, p.Met213Thr (NM_001321082.2); short protein forms M213T, M244T, M253T, M259T.
Identifiers: ClinVar variation 3342885 (VCV003342885.1).
Genomic context (GRCh38, chr17:42,719,114, plus strand): 5'-GGTTTTGTCCGAGCACTCTGTATATGGCCTAAGTGGGACAGCTTTCCCTACCTCTCCTTC[A>G]TGTCATCTGGGACACCATTCTCAGGGAACATTGAGGCAATTGCACTGAAGATCATGTCAT-3'
Protein context (NP_001982.2, residues 243-263): MFPENGVPDD[Met253Thr]KERYRELTEM

ClinVar aggregate classification (germline): Uncertain significance (1 of 4 stars; one submission).

Submission:

GeneDx
Classification: Uncertain significance. Last evaluated: 2023-03-14. Review status: criteria provided, single submitter. Criteria: GeneDx Variant Classification Process June 2021. Collection method: clinical testing. Allele origin: germline. Affected: yes.
Comment: Not observed at significant frequency in large population cohorts (gnomAD); In silico analysis supports that this missense variant has a deleterious effect on protein structure/function; Has not been previously published as pathogenic or benign to our knowledge; Variants in candidate genes are classified as variants of uncertain significance in accordance with ACMG guidelines (Richards et al., 2015)